The following is an entry in ClinVar:

ClinVar aggregate classification (germline): Uncertain significance. Review status: criteria provided, multiple submitters, no conflicts (2 of 4 stars). 2 submissions from 2 submitters: Uncertain significance (2). Last evaluated 2024-02-04.

Conditions:
Dextro-looped transposition of the great arteries. Also called: Dextrotransposition of the great arteries. Identifiers: Orphanet 860, MedGen C3531771, MONDO:0019443, OMIM 608808, HP:0031348.

Submissions (2):

Labcorp Genetics (formerly Invitae), Labcorp
Classification: Uncertain significance for Dextro-looped transposition of the great arteries. Last evaluated: 2024-02-04. Review status: criteria provided, single submitter. Criteria: Invitae Variant Classification Sherloc (09022015). Collection method: clinical testing. Allele origin: germline.
Comment: This sequence change replaces arginine, which is basic and polar, with proline, which is neutral and non-polar, at codon 1872 of the MED13L protein (p.Arg1872Pro). This variant is not present in population databases (gnomAD no frequency). This variant has not been reported in the literature in individuals affected with MED13L-related conditions. ClinVar contains an entry for this variant (Variation ID: 1708633). Advanced modeling of protein sequence and biophysical properties (such as structural, functional, and spatial information, amino acid conservation, physicochemical variation, residue mobility, and thermodynamic stability) performed at Invitae indicates that this missense variant is expected to disrupt MED13L protein function with a positive predictive value of 80%. In summary, the available evidence is currently insufficient to determine the role of this variant in disease. Therefore, it has been classified as a Variant of Uncertain Significance.

GeneDx
Classification: Uncertain significance. Last evaluated: 2022-04-10. Review status: criteria provided, single submitter. Criteria: GeneDx Variant Classification Process June 2021. Collection method: clinical testing. Allele origin: germline. Affected: yes.
Comment: Not observed at significant frequency in large population cohorts (gnomAD); In silico analysis supports that this missense variant has a deleterious effect on protein structure/function; Has not been previously published as pathogenic or benign to our knowledge; This variant is associated with the following publications: (PMID: 14638541, 21840410)

NM_015335.5(MED13L):c.5615G>C (p.Arg1872Pro)

Gene: MED13L (mediator complex subunit 13L; minus strand). Cytogenetic location: 12q24.21.
Variant type: single nucleotide variant.
Coding change: c.5615G>C on transcript NM_015335.5 (MANE Select); coding-DNA position 5615, G replaced by C.
Protein change: p.Arg1872Pro; replaces arginine 1872 with proline.
Molecular consequence: missense variant.
Genome position (GRCh38, 1-based): chr12:115,975,287, C>G on the plus strand (G>C on the coding strand, the complement: MED13L is on the minus strand). VCF-style: chr12-115975287-C-G. GRCh37 (hg19) VCF-style: chr12-116413092-C-G.
Other names: short protein forms R1872P.
Identifiers: ClinVar variation 1708633 (VCV001708633.4), dbSNP rs28940310, ClinGen allele CA386878621.
Genomic context (GRCh38, chr12:115,975,287, plus strand): 5'-AGAGATGTCATTTGGACAATCCCTATGCACCACTCCCATAACTTCTGTAGTCCAATTTTA[C>G]GTGCAGATACTTTACTCCTCCGTGACCTAACAAATAAAGAAATGGGGAAGGGGAAGGGGT-3'
Protein context (NP_056150.1, residues 1862-1882): NRSRRSKVSA[Arg1872Pro]KIGLQKLWEW